The following is an entry in ClinVar:

NM_144666.3(DNHD1):c.6064G>C (p.Gly2022Arg)

Gene: DNHD1 (dynein heavy chain domain 1; plus strand). Cytogenetic location: 11p15.4.
Variant type: single nucleotide variant.
Coding change: c.6064G>C on transcript NM_144666.3 (MANE Select); coding-DNA position 6064, G replaced by C.
Protein change: p.Gly2022Arg; replaces glycine 2022 with arginine.
Molecular consequence: missense variant.
Genome position (GRCh38, 1-based): chr11:6,547,003, G>C. VCF-style: chr11-6547003-G-C. GRCh37 (hg19) VCF-style: chr11-6568233-G-C.
Other names: short protein forms G2022R.
Identifiers: ClinVar variation 770970 (VCV000770970.29), dbSNP rs184654382, ClinGen allele CA5856106.

ClinVar aggregate classification (germline): Benign/Likely benign. Review status: criteria provided, multiple submitters, no conflicts (2 of 4 stars). 4 submissions from 4 submitters: Benign (2); Likely benign (1). 1 of the submissions does not count toward it. Last evaluated 2025-04-01.

Conditions:
DNHD1-related disorder. Also called: DNHD1-related condition.

Allele frequency attached by ClinVar (database versions not stated): 1000 Genomes Project 30x 0.00328; 1000 Genomes Project 0.00339; TOPMed 0.00396; ExAC 0.00484; gnomAD 0.00627 and 0.00644; gnomAD exomes 0.00672 and 0.00703; ESP Exome Variant Server 0.00723.

Submissions (4):

CeGaT Center for Human Genetics Tuebingen
Classification: Likely benign. Last evaluated: 2025-04-01. Review status: criteria provided, single submitter. Criteria: CeGaT Center For Human Genetics Tuebingen Variant Classification Criteria Version 2. Collection method: clinical testing. Allele origin: germline. Affected: yes. Observed: 7 variant alleles.
Comment: DNHD1: PP2, BP4, BS2

Labcorp Genetics (formerly Invitae), Labcorp
Classification: Benign. Last evaluated: 2019-12-31. Review status: criteria provided, single submitter. Criteria: Invitae Variant Classification Sherloc (09022015). Collection method: clinical testing. Allele origin: germline.

Breakthrough Genomics
Classification: Benign. Review status: criteria provided, single submitter. Criteria: ACMG Guidelines, 2015. Collection method: not provided. Allele origin: germline. Inheritance: Autosomal recessive inheritance. Affected: yes.

PreventionGenetics, part of Exact Sciences
Classification: Benign for DNHD1-related condition. Last evaluated: 2019-03-01. Review status: no assertion criteria provided. Collection method: clinical testing. Allele origin: germline. Not counted in ClinVar's aggregate classification.
Comment: This variant is classified as benign based on ACMG/AMP sequence variant interpretation guidelines (Richards et al. 2015 PMID: 25741868, with internal and published modifications).